The following is an entry in ClinVar:

ClinVar aggregate classification (germline): Uncertain significance (1 of 4 stars; one submission).

Submission:

Labcorp Genetics (formerly Invitae), Labcorp
Classification: Uncertain significance. Last evaluated: 2025-10-29. Review status: criteria provided, single submitter. Criteria: Invitae Variant Classification Sherloc (09022015). Collection method: clinical testing. Allele origin: germline.
Comment: This sequence change replaces alanine, which is neutral and non-polar, with valine, which is neutral and non-polar, at codon 2702 of the CPLANE1 protein (p.Ala2702Val). This variant is not present in population databases (gnomAD no frequency). This variant has not been reported in the literature in individuals affected with CPLANE1-related conditions. ClinVar contains an entry for this variant (Variation ID: 2102779). Invitae Evidence Modeling of protein sequence and biophysical properties (such as structural, functional, and spatial information, amino acid conservation, physicochemical variation, residue mobility, and thermodynamic stability) indicates that this missense variant is not expected to disrupt CPLANE1 protein function with a negative predictive value of 95%. In summary, the available evidence is currently insufficient to determine the role of this variant in disease. Therefore, it has been classified as a Variant of Uncertain Significance.

NM_001384732.1(CPLANE1):c.8267C>T (p.Ala2756Val)

Gene: CPLANE1 (ciliogenesis and planar polarity effector complex subunit 1; minus strand). Cytogenetic location: 5p13.2.
Variant type: single nucleotide variant.
Coding change: c.8267C>T on transcript NM_001384732.1 (MANE Select); coding-DNA position 8267, C replaced by T.
Protein change: p.Ala2756Val; replaces alanine 2756 with valine.
Molecular consequence: missense variant.
Genome position (GRCh38, 1-based): chr5:37,153,846, G>A on the plus strand (C>T on the coding strand, the complement: CPLANE1 is on the minus strand). VCF-style: chr5-37153846-G-A. GRCh37 (hg19) VCF-style: chr5-37153948-G-A.
Other names: c.8105C>T, p.Ala2702Val (NM_023073.4); short protein forms A2702V, A2756V.
Identifiers: ClinVar variation 2102779 (VCV002102779.2), dbSNP rs2547280788, ClinGen allele CA359473917.
Genomic context (GRCh38, chr5:37,153,846, plus strand): 5'-TCTATGTTTTCAGCAATGTTCTGTATTGCTAGCAACTGCTCGTCAATTTTCTGAAGCTTA[G>A]CACTGAGATGCTCTAGTTGGTGAGCTGCAGAGCTTGGTGCAGGGCAAGCTGCAGAGACAC-3'
Protein context (NP_001371661.1, residues 2746-2766): SAAHQLEHLS[Ala2756Val]KLQKIDEQLL